The following is an entry in ClinVar:

ClinVar aggregate classification (germline): Benign/Likely benign. Review status: criteria provided, multiple submitters, no conflicts (2 of 4 stars). 3 submissions from 3 submitters: Benign (1); Likely benign (1). 1 of the submissions does not count toward it. Last evaluated 2026-01-19.

Conditions:
SKIC3-related disorder. Also called: SKIC3-related condition.
Trichohepatoenteric syndrome 1 (THES1). Also called: DIARRHEA, FATAL INFANTILE, WITH TRICHORRHEXIS NODOSA. Identifiers: Orphanet 84064, MedGen C4551982, MONDO:0024541, OMIM 222470.

Allele frequency attached by ClinVar (database versions not stated): TOPMed 0.00001; gnomAD 0.00007; gnomAD exomes 0.00016 and 0.00044; 1000 Genomes Project 0.00040; 1000 Genomes Project 30x 0.00047; ExAC 0.00052.
gnomAD v4.1: 247 of 1,613,998 alleles (0.015%); highest among the groups gnomAD compares: South Asian, 0.25%; 4 homozygotes.

Submissions (3):

Labcorp Genetics (formerly Invitae), Labcorp
Classification: Benign. Last evaluated: 2026-01-19. Review status: criteria provided, single submitter. Criteria: Invitae Variant Classification Sherloc (09022015). Collection method: clinical testing. Allele origin: germline.

Revvity Omics, Revvity
Classification: Likely benign for Trichohepatoenteric syndrome 1. Last evaluated: 2023-11-16. Review status: criteria provided, single submitter. Criteria: ACMG Guidelines, 2015. Collection method: clinical testing. Allele origin: germline.

PreventionGenetics, part of Exact Sciences
Classification: Likely benign for SKIC3-related condition. Last evaluated: 2022-11-21. Review status: no assertion criteria provided. Collection method: clinical testing. Allele origin: germline. Not counted in ClinVar's aggregate classification.
Comment: This variant is classified as likely benign based on ACMG/AMP sequence variant interpretation guidelines (Richards et al. 2015 PMID: 25741868, with internal and published modifications).

NM_014639.4(SKIC3):c.4081G>A (p.Ala1361Thr)

Gene: SKIC3 (SKI3 subunit of superkiller complex; minus strand). Cytogenetic location: 5q15.
Variant type: single nucleotide variant.
Coding change: c.4081G>A on transcript NM_014639.4 (MANE Select); coding-DNA position 4081, G replaced by A.
Protein change: p.Ala1361Thr; replaces alanine 1361 with threonine.
Molecular consequence: missense variant.
Genome position (GRCh38, 1-based): chr5:95,482,604, C>T on the plus strand (G>A on the coding strand, the complement: SKIC3 is on the minus strand). VCF-style: chr5-95482604-C-T. GRCh37 (hg19) VCF-style: chr5-94818308-C-T.
Other names: c.4081G>A (NM_014639.3); short protein forms A1361T.
Identifiers: ClinVar variation 1601573 (VCV001601573.12), dbSNP rs532313388, ClinGen allele CA3346501.